The following is an entry in ClinVar:

NM_004700.4(KCNQ4):c.1746-8A>C

Gene: KCNQ4 (potassium voltage-gated channel subfamily Q member 4; plus strand). Cytogenetic location: 1p34.2.
Variant type: single nucleotide variant.
Coding change: c.1746-8A>C on transcript NM_004700.4 (MANE Select); 8 bases into the intron before coding-DNA position 1746, A replaced by C.
Molecular consequence: intron variant.
Genome position (GRCh38, 1-based): chr1:40,837,657, A>C. VCF-style: chr1-40837657-A-C. GRCh37 (hg19) VCF-style: chr1-41303329-A-C.
Other names: c.1584-8A>C (NM_172163.3).
Identifiers: ClinVar variation 3349837 (VCV003349837.1).

ClinVar aggregate classification (germline): Likely benign (0 of 4 stars; one submission).

Conditions:
KCNQ4-related disorder. Also called: KCNQ4-related condition.

Submission:

PreventionGenetics, part of Exact Sciences
Classification: Likely benign for KCNQ4-related condition. Last evaluated: 2024-05-29. Review status: no assertion criteria provided. Collection method: clinical testing. Allele origin: germline.
Comment: This variant is classified as likely benign based on ACMG/AMP sequence variant interpretation guidelines (Richards et al. 2015 PMID: 25741868, with internal and published modifications).